The following is an entry in ClinVar:

NM_000168.6(GLI3):c.3727G>A (p.Ala1243Thr)

Gene: GLI3 (GLI family zinc finger 3; minus strand). Cytogenetic location: 7p14.1.
Variant type: single nucleotide variant.
Coding change: c.3727G>A on transcript NM_000168.6 (MANE Select); coding-DNA position 3727, G replaced by A.
Protein change: p.Ala1243Thr; replaces alanine 1243 with threonine.
Molecular consequence: missense variant.
Genome position (GRCh38, 1-based): chr7:41,965,346, C>T on the plus strand (G>A on the coding strand, the complement: GLI3 is on the minus strand). VCF-style: chr7-41965346-C-T. GRCh37 (hg19) VCF-style: chr7-42004944-C-T.
Other names: short protein forms A1243T.
Identifiers: ClinVar variation 4790214 (VCV004790214.1).
Genomic context (GRCh38, chr7:41,965,346, plus strand): 5'-CTGGCTGCCTGTTGAGACAGTTCCCATACTGCGGGGCCTTACAGGGCTGTTCATGGAAGG[C>T]GTTTCCACTGGTGCCACTTCCGGGGCTGTTGTGGAGCATCAAGTGCTCTGGGCCACCGTA-3'
Protein context (NP_000159.3, residues 1233-1253): NSPGSGTSGN[Ala1243Thr]FHEQPCKAPQ

ClinVar aggregate classification (germline): Uncertain significance (1 of 4 stars; one submission).

Conditions:
Pallister-Hall syndrome (PHS). Also called: GLI3-Related Pallister-Hall Syndrome; HYPOTHALAMIC HAMARTOBLASTOMA, HYPOPITUITARISM, IMPERFORATE ANUS, AND POSTAXIAL POLYDACTYLY. Identifiers: Orphanet 672, MedGen C0265220, MONDO:0007804, OMIM 146510.
Greig cephalopolysyndactyly syndrome (GCPS). Also called: POLYSYNDACTYLY WITH PECULIAR SKULL SHAPE; Greig syndrome; GLI3-Related Greig Cephalopolysyndactyly Syndrome. Identifiers: Orphanet 380, MedGen C0265306, MONDO:0008287, OMIM 175700.

gnomAD v4.1: 2 of 1,613,544 alleles (0.00012%); highest among the groups gnomAD compares: African/African-American, 0.0027%; no homozygotes.

Submission:

Labcorp Genetics (formerly Invitae), Labcorp
Classification: Uncertain significance for Pallister-Hall syndrome; Greig cephalopolysyndactyly syndrome. Last evaluated: 2026-01-24. Review status: criteria provided, single submitter. Criteria: Invitae Variant Classification Sherloc (09022015). Collection method: clinical testing. Allele origin: germline.
Comment: This sequence change replaces alanine, which is neutral and non-polar, with threonine, which is neutral and polar, at codon 1243 of the GLI3 protein (p.Ala1243Thr). This variant is not present in population databases (gnomAD no frequency). This variant has not been reported in the literature in individuals affected with GLI3-related conditions. Invitae Evidence Modeling of protein sequence and biophysical properties (such as structural, functional, and spatial information, amino acid conservation, physicochemical variation, residue mobility, and thermodynamic stability) indicates that this missense variant is not expected to disrupt GLI3 protein function with a negative predictive value of 95%. In summary, the available evidence is currently insufficient to determine the role of this variant in disease. Therefore, it has been classified as a Variant of Uncertain Significance.